The following is an entry in ClinVar:

NM_001320.7(CSNK2B):c.51T>C (p.Arg17=)

Gene: CSNK2B (casein kinase 2 beta; plus strand). Cytogenetic location: 6p21.33.
Variant type: single nucleotide variant.
Coding change: c.51T>C on transcript NM_001320.7 (MANE Select); coding-DNA position 51, T replaced by C.
Protein change: p.Arg17=; no amino-acid change (arginine 17 retained).
Molecular consequence: synonymous variant.
Genome position (GRCh38, 1-based): chr6:31,666,882, T>C. VCF-style: chr6-31666882-T-C. GRCh37 (hg19) VCF-style: chr6-31634659-T-C.
Other names: c.51T>C, p.Arg17= (NM_001282385.2).
Identifiers: ClinVar variation 5039318 (VCV005039318.1).
Genomic context (GRCh38, chr6:31,666,882, plus strand): 5'-TGACGTGAAGATGAGCAGCTCAGAGGAGGTGTCCTGGATTTCCTGGTTCTGTGGGCTCCG[T>C]GGCAATGAATTCTTCTGTGAAGTGAGTTCTCTTCAACCTCCCTACTTGCCAGCTTCACAT-3'
Protein context (NP_001311.3, residues 7-27): VSWISWFCGL[Arg17=]GNEFFCEVDE

ClinVar aggregate classification (germline): Likely benign (1 of 4 stars; one submission).

Submission:

CeGaT Center for Human Genetics Tuebingen
Classification: Likely benign. Last evaluated: 2026-07-01. Review status: criteria provided, single submitter. Criteria: CeGaT Center For Human Genetics Tuebingen Variant Classification Criteria Version 2. Collection method: clinical testing. Allele origin: germline. Affected: yes. Observed: 1 variant allele.
Comment: CSNK2B: PM2:Supporting, BP4, BP7